The following is an entry in ClinVar:

NM_000038.6(APC):c.1035dup (p.Ser346fs)

Gene: APC (APC regulator of Wnt signaling pathway; plus strand). Cytogenetic location: 5q22.2.
Variant type: Duplication.
Coding change: c.1035dup on transcript NM_000038.6 (MANE Select); coding-DNA position 1035, one base duplicated (A; older notation c.1035dupA).
Protein change: p.Ser346fs; shifts the reading frame from serine 346.
Molecular consequence: frameshift variant. On other transcripts: non-coding transcript variant (2), intron variant (15).
Genome position (GRCh38, 1-based): chr5:112,819,067, A duplicated. VCF-style (leftmost placement, unchanged base first): chr5-112819066-T-TA. GRCh37 (hg19) VCF-style: chr5-112154763-T-TA.
Other names: p.Ser346Ilefs*19; c.1035dup, p.Ser346fs (NM_001127510.3, NM_001354895.2, NM_001354896.2 and 4 more transcripts); c.981dup, p.Ser328fs (NM_001127511.3); c.1065dup, p.Ser356fs (NM_001354897.2, NM_001407446.1); c.960dup, p.Ser321fs (NM_001354898.2, NM_001407451.1); c.951dup, p.Ser318fs (NM_001354899.2, NM_001407452.1); c.858dup, p.Ser287fs (NM_001354900.2, NM_001354901.2, NM_001407453.1); c.186dup, p.Ser63fs (NM_001354906.2, NM_001407470.1); and 6 more; short protein forms S287fs, S318fs, S321fs, S328fs, S346fs, S356fs, S63fs.
Identifiers: ClinVar variation 2583366 (VCV002583366.3), dbSNP rs2533040996, ClinGen allele CA2582341336.

ClinVar aggregate classification (germline): Pathogenic/Likely pathogenic. Review status: criteria provided, multiple submitters, no conflicts (2 of 4 stars). 2 submissions from 2 submitters: Pathogenic (1); Likely pathogenic (1). Last evaluated 2025-11-29.

Conditions:
Familial adenomatous polyposis 1 (FAP1). Also called: POLYPOSIS, ADENOMATOUS INTESTINAL; FAMILIAL ADENOMATOUS POLYPOSIS 1, ATTENUATED. Identifiers: MedGen C2713442, MONDO:0021056, OMIM 175100. Disease mechanism: loss of function.

Submissions (2):

Mayo Clinic Laboratories, Mayo Clinic
Classification: Likely pathogenic. Last evaluated: 2025-11-29. Review status: criteria provided, single submitter. Criteria: ACMG Guidelines, 2015. Collection method: clinical testing. Allele origin: germline. Observed: 1 variant allele.
Comment: PM2_supporting, PVS1

Myriad Genetics, Inc.
Classification: Pathogenic for Familial adenomatous polyposis 1. Last evaluated: 2023-04-28. Review status: criteria provided, single submitter. Criteria: Myriad Autosomal Dominant, Autosomal Recessive and X-Linked Classification Criteria (2023). Collection method: clinical testing. Allele origin: unknown.
Comment: This variant is considered pathogenic. This variant creates a frameshift predicted to result in premature protein truncation.